The following is an entry in ClinVar:

ClinVar aggregate classification (germline): Conflicting classifications of pathogenicity. Review status: criteria provided, conflicting classifications (1 of 4 stars). 2 submissions from 2 submitters: Uncertain significance (1); Likely benign (1). Last evaluated 2025-02-23.

Allele frequency attached by ClinVar (database versions not stated): TOPMed 0.00008; gnomAD 0.00010; ExAC 0.00015; gnomAD exomes 0.00016; ESP Exome Variant Server 0.00031.
gnomAD v4.1: 355 of 1,614,004 alleles (0.022%); highest among the groups gnomAD compares: Non-Finnish European, 0.029%; no homozygotes.

Submissions (2):

GeneDx
Classification: Uncertain significance. Last evaluated: 2025-02-23. Review status: criteria provided, single submitter. Criteria: GeneDx Variant Classification Process June 2021. Collection method: clinical testing. Allele origin: germline. Affected: yes.
Comment: Has not been previously published as pathogenic or benign to our knowledge; In silico analysis suggests this variant may impact gene splicing. In the absence of RNA/functional studies, the actual effect of this sequence change is unknown.

Labcorp Genetics (formerly Invitae), Labcorp
Classification: Likely benign. Last evaluated: 2018-05-04. Review status: criteria provided, single submitter. Criteria: Invitae Variant Classification Sherloc (09022015). Collection method: clinical testing. Allele origin: germline.

NM_170665.4(ATP2A2):c.783C>T (p.Ser261=)

Gene: ATP2A2 (ATPase sarcoplasmic/endoplasmic reticulum Ca2+ transporting 2; plus strand). Cytogenetic location: 12q24.11.
Variant type: single nucleotide variant.
Coding change: c.783C>T on transcript NM_170665.4 (MANE Select); coding-DNA position 783, C replaced by T.
Protein change: p.Ser261=; no amino-acid change (serine 261 retained).
Molecular consequence: synonymous variant.
Genome position (GRCh38, 1-based): chr12:110,327,705, C>T. VCF-style: chr12-110327705-C-T. GRCh37 (hg19) VCF-style: chr12-110765510-C-T.
Other names: c.783C>T (NM_170665.3); c.783C>T, p.Ser261= (NM_001681.4).
Identifiers: ClinVar variation 742528 (VCV000742528.4), dbSNP rs142721178, ClinGen allele CA6783773.